The following is an entry in ClinVar:

NM_001267550.2(TTN):c.19315G>A (p.Val6439Met)

Gene: TTN (titin; minus strand). Cytogenetic location: 2q31.2.
Variant type: single nucleotide variant.
Coding change: c.19315G>A on transcript NM_001267550.2 (MANE Select); coding-DNA position 19315, G replaced by A.
Protein change: p.Val6439Met; replaces valine 6439 with methionine.
Molecular consequence: missense variant. On other transcripts: intron variant (3).
Genome position (GRCh38, 1-based): chr2:178,728,611, C>T on the plus strand (G>A on the coding strand, the complement: TTN is on the minus strand). VCF-style: chr2-178728611-C-T. GRCh37 (hg19) VCF-style: chr2-179593338-C-T.
Other names: c.18364G>A, p.Val6122Met (NM_001256850.1); c.13282+9471G>A (NM_003319.4); c.13858+9471G>A (NM_133437.4); c.13657+9471G>A (NM_133432.3); c.15583G>A, p.Val5195Met (NM_133378.4); short protein forms V5195M, V6439M, V6122M.
Identifiers: ClinVar variation 180015 (VCV000180015.9), dbSNP rs727505289, ClinGen allele CA185636.

ClinVar aggregate classification (germline): Uncertain significance. Review status: criteria provided, multiple submitters, no conflicts (2 of 4 stars). 3 submissions from 3 submitters: Uncertain significance (3). Last evaluated 2026-02-26.

Conditions:
TTN-related disorder. Also called: TTN-related condition; TTN-related disease; TTN-related disorders.

Allele frequency attached by ClinVar (database versions not stated): TOPMed below 0.00001; gnomAD 0.00001; gnomAD exomes 0.00001 and 0.00002; ExAC 0.00003.
gnomAD v4.1: 23 of 1,613,074 alleles (0.0014%); highest among the groups gnomAD compares: East Asian, 0.025%; no homozygotes.

Submissions (3):

PreventionGenetics, part of Exact Sciences
Classification: Uncertain significance for TTN-related condition. Last evaluated: 2026-02-26. Review status: criteria provided, single submitter. Criteria: ACMG Guidelines, 2015. Collection method: clinical testing. Allele origin: germline.
Comment: The TTN c.19315G>A variant is predicted to result in the amino acid substitution p.Val6439Met. To our knowledge, this variant has not been reported in the literature. This variant is reported in 0.011% of alleles in individuals of East Asian descent in gnomAD. At this time, the clinical significance of this variant is uncertain due to the absence of conclusive functional and genetic evidence.

Revvity Omics, Revvity
Classification: Uncertain significance. Last evaluated: 2024-06-20. Review status: criteria provided, single submitter. Criteria: ACMG Guidelines, 2015. Collection method: clinical testing. Allele origin: germline.

Laboratory for Molecular Medicine, Mass General Brigham Personalized Medicine
Classification: Uncertain significance. Last evaluated: 2014-11-25. Review status: criteria provided, single submitter. Criteria: LMM Criteria. Collection method: clinical testing. Allele origin: germline. Observed: 2 variant alleles.
Comment: The p.Val5195Met variant in TTN has not been previously reported in any other fa milies with cardiomyopathy, but has been identified in 2/66738 European (non-Fin nish) chromosomes and 1/8496 East Asian chromosomes by the Exome Aggregation Con sortium (ExAC). Computational prediction tools a nd conservation analysis do not provide strong support for or against an impact to the protein. In summary, the clinical significance of the p.Val5195Met varian t is uncertain.